The following is an entry in ClinVar:

ClinVar aggregate classification (germline): Likely benign (0 of 4 stars; one submission).

Conditions:
INPP5E-related disorder. Also called: INPP5E-related condition.

Submission:

PreventionGenetics, part of Exact Sciences
Classification: Likely benign for INPP5E-related condition. Last evaluated: 2021-08-24. Review status: no assertion criteria provided. Collection method: clinical testing. Allele origin: germline.
Comment: This variant is classified as likely benign based on ACMG/AMP sequence variant interpretation guidelines (Richards et al. 2015 PMID: 25741868, with internal and published modifications).

NM_019892.6(INPP5E):c.660G>A (p.Lys220=)

Gene: INPP5E (inositol polyphosphate-5-phosphatase E; minus strand). Cytogenetic location: 9q34.3.
Variant type: single nucleotide variant.
Coding change: c.660G>A on transcript NM_019892.6 (MANE Select); coding-DNA position 660, G replaced by A.
Protein change: p.Lys220=; no amino-acid change (lysine 220 retained).
Molecular consequence: synonymous variant.
Genome position (GRCh38, 1-based): chr9:136,438,760, C>T on the plus strand (G>A on the coding strand, the complement: INPP5E is on the minus strand). VCF-style: chr9-136438760-C-T. GRCh37 (hg19) VCF-style: chr9-139333212-C-T.
Other names: c.660G>A, p.Lys220= (NM_001318502.2).
Identifiers: ClinVar variation 3357130 (VCV003357130.1).
Genomic context (GRCh38, chr9:136,438,760, plus strand): 5'-CCGCGGCCGGCCGGGGCCCAGGCTGCTGTGGGCCCGCACCAGGAGCGGCTGCGCGCGGAG[C>T]TTGTAGTCTGCAAGATCCGAGTCGACCTTGTTTGCTGTCCTCAGGGAGTCGGAGGCGATG-3'
Protein context (NP_063945.2, residues 210-230): NKVDSDLADY[Lys220=]LRAQPLLVRA